The following is an entry in ClinVar:

NC_000005.10:g.112707371A>G

Gene: APC (APC regulator of Wnt signaling pathway; plus strand). Cytogenetic location: 5q22.2.
Variant type: single nucleotide variant.
Genome position: GRCh38 VCF-style: chr5-112707371-A-G. GRCh37 (hg19) VCF-style: chr5-112043068-A-G.
Identifiers: ClinVar variation 469891 (VCV000469891.7), dbSNP rs1554060123, ClinGen allele CA658655869.
Genomic context (GRCh38, chr5:112,707,371, plus strand): 5'-GCTGCAGCACAATTCAGAGAAGGCCAGTAAGTGCTGCAACTGAGACTCGGCTGCCTAGGC[A>G]GCAATGGCTCACGGGACAGAACAGCGAAGCAGTGCCCGGCAAGCGGAGCGCAGCACCCAT-3'

ClinVar aggregate classification (germline): Uncertain significance (1 of 4 stars; one submission).

Conditions:
Familial adenomatous polyposis 1 (FAP1). Also called: FAMILIAL ADENOMATOUS POLYPOSIS 1, ATTENUATED; POLYPOSIS, ADENOMATOUS INTESTINAL. Identifiers: MedGen C2713442, MONDO:0021056, OMIM 175100. Disease mechanism: loss of function.

Allele frequency attached by ClinVar (database versions not stated): gnomAD exomes 0.00001.

Submission:

Labcorp Genetics (formerly Invitae), Labcorp
Classification: Uncertain significance for Familial adenomatous polyposis 1. Last evaluated: 2024-11-13. Review status: criteria provided, single submitter. Criteria: Invitae Variant Classification Sherloc (09022015). Collection method: clinical testing. Allele origin: germline.
Comment: This variant occurs in a non-coding region of the APC gene. It does not change the encoded amino acid sequence of the APC protein. This variant is not present in population databases (gnomAD no frequency). This variant has not been reported in the literature in individuals affected with APC-related conditions. ClinVar contains an entry for this variant (Variation ID: 469891). Experimental studies and prediction algorithms are not available or were not evaluated, and the functional significance of this variant is currently unknown. In summary, the available evidence is currently insufficient to determine the role of this variant in disease. Therefore, it has been classified as a Variant of Uncertain Significance.